The following is an entry in ClinVar:

NM_182961.4(SYNE1):c.9572A>T (p.Lys3191Ile)

Gene: SYNE1 (spectrin repeat containing nuclear envelope protein 1; minus strand). Cytogenetic location: 6q25.2.
Variant type: single nucleotide variant.
Coding change: c.9572A>T on transcript NM_182961.4 (MANE Select); coding-DNA position 9572, A replaced by T.
Protein change: p.Lys3191Ile; replaces lysine 3191 with isoleucine.
Molecular consequence: missense variant.
Genome position (GRCh38, 1-based): chr6:152,369,550, T>A on the plus strand (A>T on the coding strand, the complement: SYNE1 is on the minus strand). VCF-style: chr6-152369550-T-A. GRCh37 (hg19) VCF-style: chr6-152690685-T-A.
Other names: c.9593A>T, p.Lys3198Ile (NM_033071.5); short protein forms K3191I, K3198I.
Identifiers: ClinVar variation 580579 (VCV000580579.1), dbSNP rs1563437567, ClinGen allele CA366138435.

ClinVar aggregate classification (germline): Uncertain significance (1 of 4 stars; one submission).

Conditions:
Emery-Dreifuss muscular dystrophy 4, autosomal dominant (EDMD4). Also called: EMERY-DREIFUSS MUSCULAR DYSTROPHY 4 WITH VARIABLE FEATURES. Identifiers: Orphanet 261, MedGen C2751807, MONDO:0013071, OMIM 612998.
Autosomal recessive ataxia, Beauce type. Also called: SYNE1-Related Autosomal Recessive Cerebellar Ataxia; Spinocerebellar ataxia, autosomal recessive 8; ATAXIA, RECESSIVE, OF BEAUCE; SYNE1 Deficiency. Identifiers: Orphanet 88644, MedGen C1853116, MONDO:0012549, OMIM 610743.

Submission:

Labcorp Genetics (formerly Invitae), Labcorp
Classification: Uncertain significance for Emery-Dreifuss muscular dystrophy 4, autosomal dominant; Spinocerebellar ataxia, autosomal recessive 8. Last evaluated: 2018-01-08. Review status: criteria provided, single submitter. Criteria: Invitae Variant Classification Sherloc (09022015). Collection method: clinical testing. Allele origin: germline.
Comment: This sequence change replaces lysine with isoleucine at codon 3198 of the SYNE1 protein (p.Lys3198Ile). The lysine residue is highly conserved and there is a moderate physicochemical difference between lysine and isoleucine. This variant is not present in population databases (ExAC no frequency). This variant has not been reported in the literature in individuals with SYNE1-related disease. Algorithms developed to predict the effect of missense changes on protein structure and function do not agree on the potential impact of this missense change (SIFT: "Deleterious"; PolyPhen-2: "Benign"; Align-GVGD: "Class C0"). In summary, the available evidence is currently insufficient to determine the role of this variant in disease. Therefore, it has been classified as a Variant of Uncertain Significance.